The following is an entry in ClinVar:

NM_015015.3(KDM4B):c.1705_1706delinsAT (p.Glu569Met)

Genes: KDM4B (lysine demethylase 4B; plus strand), LOC130063244 (ATAC-STARR-seq lymphoblastoid active region 13796; plus strand). Cytogenetic location: 19p13.3.
Variant type: Indel.
Coding change: c.1705_1706delinsAT on transcript NM_015015.3 (MANE Select); coding-DNA positions 1705 to 1706, GA replaced by AT.
Protein change: p.Glu569Met; replaces glutamic acid 569 with methionine.
Molecular consequence: missense variant.
Genome position (GRCh38, 1-based): chr19:5,131,465-5,131,466, GA replaced by AT. VCF-style: chr19-5131465-GA-AT. GRCh37 (hg19) VCF-style: chr19-5131476-GA-AT.
Other names: c.1807_1808delinsAT, p.Glu603Met (NM_001411148.1); short protein forms E569M, E603M.
Identifiers: ClinVar variation 4993106 (VCV004993106.1).

ClinVar aggregate classification (germline): Uncertain significance (1 of 4 stars; one submission).

Conditions:
KDM4B-related disorder. Also called: KDM4B-related condition.

Submission:

PreventionGenetics, part of Exact Sciences
Classification: Uncertain significance for KDM4B-related condition. Last evaluated: 2026-02-03. Review status: criteria provided, single submitter. Criteria: ACMG Guidelines, 2015. Collection method: clinical testing. Allele origin: germline.
Comment: The KDM4B c.1705_1706delinsAT variant is predicted to result in an in-frame deletion and insertion. To our knowledge, this variant has not been reported in the literature or in a large population database (gnomAD), indicating this variant is rare. At this time, the clinical significance of this variant is uncertain due to the absence of conclusive functional and genetic evidence.